The following is an entry in ClinVar:

NM_201384.3(PLEC):c.12294C>T (p.Asn4098=)

Gene: PLEC (plectin; minus strand). Cytogenetic location: 8q24.3.
Variant type: single nucleotide variant.
Coding change: c.12294C>T on transcript NM_201384.3 (MANE Select); coding-DNA position 12294, C replaced by T.
Protein change: p.Asn4098=; no amino-acid change (asparagine 4098 retained).
Molecular consequence: synonymous variant.
Genome position (GRCh38, 1-based): chr8:143,917,527, G>A on the plus strand (C>T on the coding strand, the complement: PLEC is on the minus strand). VCF-style: chr8-143917527-G-A. GRCh37 (hg19) VCF-style: chr8-144991695-G-A.
Other names: c.12375C>T, p.Asn4125= (NM_000445.5); c.8994C>T, p.Asn2998= (NM_001410941.1); c.12252C>T, p.Asn4084= (NM_201378.4); c.12228C>T, p.Asn4076= (NM_201379.3); c.12705C>T, p.Asn4235= (NM_201380.4); c.12198C>T, p.Asn4066= (NM_201381.3); c.12294C>T, p.Asn4098= (NM_201382.4); c.12306C>T, p.Asn4102= (NM_201383.3).
Identifiers: ClinVar variation 2658938 (VCV002658938.24), dbSNP rs1554672282, ClinGen allele CA463527313.

ClinVar aggregate classification (germline): Likely benign (1 of 4 stars; one submission).

Allele frequency attached by ClinVar (database versions not stated): TOPMed below 0.00001; gnomAD exomes 0.00001.
gnomAD v4.1: 4 of 1,613,934 alleles (0.00025%); highest among the groups gnomAD compares: East Asian, 0.0022%; no homozygotes.

Submission:

CeGaT Center for Human Genetics Tuebingen
Classification: Likely benign. Last evaluated: 2023-05-01. Review status: criteria provided, single submitter. Criteria: CeGaT Center For Human Genetics Tuebingen Variant Classification Criteria Version 2. Collection method: clinical testing. Allele origin: germline. Affected: yes. Observed: 1 variant allele.
Comment: PLEC: BP4, BP7